The following is an entry in ClinVar:

NM_003000.3(SDHB):c.484G>T (p.Glu162Ter)

Gene: SDHB (succinate dehydrogenase complex iron sulfur subunit B; minus strand). Cytogenetic location: 1p36.13.
Variant type: single nucleotide variant.
Coding change: c.484G>T on transcript NM_003000.3 (MANE Select); coding-DNA position 484, G replaced by T.
Protein change: p.Glu162Ter; replaces glutamic acid 162 with a stop codon.
Molecular consequence: nonsense.
Genome position (GRCh38, 1-based): chr1:17,027,805, C>A on the plus strand (G>T on the coding strand, the complement: SDHB is on the minus strand). VCF-style: chr1-17027805-C-A. GRCh37 (hg19) VCF-style: chr1-17354300-C-A.
Other names: short protein forms E162*.
Identifiers: ClinVar variation 1400077 (VCV001400077.6), dbSNP rs2101521715, ClinGen allele CA338272779.

ClinVar aggregate classification (germline): Pathogenic (1 of 4 stars; one submission).

Conditions:
Pheochromocytoma. Also called: MAX-Related Hereditary Paraganglioma-Pheochromocytoma Syndrome. Identifiers: Orphanet 29072, MedGen C0031511, MONDO:0008233, OMIM 171300, HP:0002666.
Pheochromocytoma/paraganglioma syndrome 4. Also called: CAROTID BODY TUMORS AND MULTIPLE EXTRAADRENAL PHEOCHROMOCYTOMAS; PARAGANGLIOMA, FAMILIAL MALIGNANT; PARAGANGLIOMAS, HEREDITARY EXTRAADRENAL; PHEOCHROMOCYTOMA, FAMILIAL EXTRAADRENAL; Paragangliomas 4; SDHB-Related Hereditary Paraganglioma-Pheochromocytoma Syndrome (Paragangliomas 4). Identifiers: Orphanet 29072, MedGen C1861848, MONDO:0007273, OMIM 115310.
Gastrointestinal stromal tumor. Also called: Gastrointestinal stroma tumor; Gastrointestinal stromal tumor, somatic. Identifiers: Orphanet 44890, MedGen C0238198, MeSH D046152, MONDO:0011719, OMIM 606764, HP:0100723.

Submission:

Labcorp Genetics (formerly Invitae), Labcorp
Classification: Pathogenic for Gastrointestinal stromal tumor; Pheochromocytoma/paraganglioma syndrome 4; Pheochromocytoma. Last evaluated: 2021-05-05. Review status: criteria provided, single submitter. Criteria: Invitae Variant Classification Sherloc (09022015). Collection method: clinical testing. Allele origin: germline.
Comment: This variant is not present in population databases (ExAC no frequency). This variant has not been reported in the literature in individuals with SDHB-related conditions. For these reasons, this variant has been classified as Pathogenic. This sequence change creates a premature translational stop signal (p.Glu162*) in the SDHB gene. It is expected to result in an absent or disrupted protein product. Loss-of-function variants in SDHB are known to be pathogenic (PMID: 19454582, 19802898).

Literature cited by the submitters: PubMed 19454582; PubMed 19802898.